The following is an entry in ClinVar:

ClinVar aggregate classification (germline): Uncertain significance (1 of 4 stars; one submission).

Submission:

GeneDx
Classification: Uncertain significance. Last evaluated: 2026-04-13. Review status: criteria provided, single submitter. Criteria: GeneDx Variant Classification Process June 2021. Collection method: clinical testing. Allele origin: germline.
Comment: Not observed at significant frequency in large population cohorts (gnomAD); In silico analysis suggests that this missense variant does not alter protein structure/function; Has not been previously published as pathogenic or benign to our knowledge

NM_001395002.1(MAP4K4):c.1826A>C (p.Glu609Ala)

Gene: MAP4K4 (mitogen-activated protein kinase kinase kinase kinase 4; plus strand). Cytogenetic location: 2q11.2.
Variant type: single nucleotide variant.
Coding change: c.1826A>C on transcript NM_001395002.1 (MANE Select); coding-DNA position 1826, A replaced by C.
Protein change: p.Glu609Ala; replaces glutamic acid 609 with alanine.
Molecular consequence: missense variant. On other transcripts: intron variant (34).
Genome position (GRCh38, 1-based): chr2:101,860,946, A>C. VCF-style: chr2-101860946-A-C. GRCh37 (hg19) VCF-style: chr2-102477408-A-C.
Other names: c.1611+1082A>C (NM_001384482.1, NM_004834.5, NM_001242560.2 and 5 more transcripts); c.1617+1082A>C (NM_001384548.1); c.1677+1082A>C (NM_001384555.1, NM_001384572.1, NM_001384552.1 and 5 more transcripts); c.1584+1082A>C (NM_001384567.1, NM_001384558.1, NM_001384554.1 and 3 more transcripts); c.1590+1082A>C (NM_001384550.1); c.1826A>C, p.Glu609Ala (NM_001242559.2, NM_001384481.1, NM_001384486.1 and 4 more transcripts); c.1733A>C, p.Glu578Ala (NM_001384492.1, NM_001384520.1, NM_001384543.1 and 2 more transcripts); c.1706A>C, p.Glu569Ala (NM_001384551.1, NM_001384557.1, NM_001384564.1); and 2 more; short protein forms E569A, E578A, E600A, E609A.
Identifiers: ClinVar variation 5037040 (VCV005037040.1).